The following is an entry in ClinVar:

NM_022489.4(INF2):c.119G>C (p.Arg40Pro)

Gene: INF2 (inverted formin 2; plus strand). Cytogenetic location: 14q32.33.
Variant type: single nucleotide variant.
Coding change: c.119G>C on transcript NM_022489.4 (MANE Select); coding-DNA position 119, G replaced by C.
Protein change: p.Arg40Pro; replaces arginine 40 with proline.
Molecular consequence: missense variant.
Genome position (GRCh38, 1-based): chr14:104,701,484, G>C. VCF-style: chr14-104701484-G-C. GRCh37 (hg19) VCF-style: chr14-105167821-G-C.
Other names: c.119G>C, p.Arg40Pro (NM_001031714.4, NM_032714.3); short protein forms R40P.
Identifiers: ClinVar variation 1020561 (VCV001020561.8), dbSNP rs1437016055, ClinGen allele CA391224958.

ClinVar aggregate classification (germline): Uncertain significance (1 of 4 stars; one submission).

Conditions:
Charcot-Marie-Tooth disease dominant intermediate E. Also called: CHARCOT-MARIE-TOOTH NEUROPATHY WITH FOCAL SEGMENTAL GLOMERULONEPHRITIS. Identifiers: Orphanet 93114, MedGen C4302667, MONDO:0013758, OMIM 614455.
Focal segmental glomerulosclerosis 5 (FSGS5). Identifiers: Orphanet 656, MedGen C2750475, MONDO:0013191, OMIM 613237.

Submission:

Labcorp Genetics (formerly Invitae), Labcorp
Classification: Uncertain significance for Charcot-Marie-Tooth disease dominant intermediate E; Focal segmental glomerulosclerosis 5. Last evaluated: 2020-02-27. Review status: criteria provided, single submitter. Criteria: Invitae Variant Classification Sherloc (09022015). Collection method: clinical testing. Allele origin: germline.
Comment: In summary, the available evidence is currently insufficient to determine the role of this variant in disease. Therefore, it has been classified as a Variant of Uncertain Significance. Algorithms developed to predict the effect of missense changes on protein structure and function are either unavailable or do not agree on the potential impact of this missense change (SIFT: "Deleterious"; PolyPhen-2: "Probably Damaging"; Align-GVGD: "Class C0"). This variant has not been reported in the literature in individuals with INF2-related conditions. This variant is not present in population databases (ExAC no frequency). This sequence change replaces arginine with proline at codon 40 of the INF2 protein (p.Arg40Pro). The arginine residue is highly conserved and there is a moderate physicochemical difference between arginine and proline.